The following is an entry in ClinVar:

ClinVar aggregate classification (germline): Uncertain significance. Review status: criteria provided, multiple submitters, no conflicts (2 of 4 stars). 2 submissions from 2 submitters: Uncertain significance (2). Last evaluated 2025-06-19.

Conditions:
Inborn genetic diseases. Identifiers: MedGen C0950123, MeSH D030342.

Submissions (2):

Ambry Genetics
Classification: Uncertain significance for Inborn genetic diseases. Last evaluated: 2025-06-19. Review status: criteria provided, single submitter. Criteria: Ambry Variant Classification Scheme 2023. Collection method: clinical testing. Allele origin: germline.

GeneDx
Classification: Uncertain significance. Last evaluated: 2022-09-06. Review status: criteria provided, single submitter. Criteria: GeneDx Variant Classification Process June 2021. Collection method: clinical testing. Allele origin: germline. Affected: yes.
Comment: Not observed at significant frequency in large population cohorts (gnomAD); In silico analysis supports that this missense variant has a deleterious effect on protein structure/function; Has not been previously published as pathogenic or benign to our knowledge

NM_206965.2(FTCD):c.1484A>T (p.Tyr495Phe)

Gene: FTCD (formimidoyltransferase cyclodeaminase; minus strand). Cytogenetic location: 21q22.3.
Variant type: single nucleotide variant.
Coding change: c.1484A>T on transcript NM_206965.2 (MANE Select); coding-DNA position 1484, A replaced by T.
Protein change: p.Tyr495Phe; replaces tyrosine 495 with phenylalanine.
Molecular consequence: missense variant.
Genome position (GRCh38, 1-based): chr21:46,137,294, T>A on the plus strand (A>T on the coding strand, the complement: FTCD is on the minus strand). VCF-style: chr21-46137294-T-A. GRCh37 (hg19) VCF-style: chr21-47557208-T-A.
Other names: c.1484A>T, p.Tyr495Phe (NM_001320412.2, NM_006657.3); short protein forms Y495F.
Identifiers: ClinVar variation 2442735 (VCV002442735.2), dbSNP rs1489442504, ClinGen allele CA410557479.